The following is an entry in ClinVar:

NM_207037.2(TCF12):c.1952T>G (p.Ile651Ser)

Gene: TCF12 (transcription factor 12; plus strand). Cytogenetic location: 15q21.3.
Variant type: single nucleotide variant.
Coding change: c.1952T>G on transcript NM_207037.2 (MANE Select); coding-DNA position 1952, T replaced by G.
Protein change: p.Ile651Ser; replaces isoleucine 651 with serine.
Molecular consequence: missense variant.
Genome position (GRCh38, 1-based): chr15:57,273,236, T>G. VCF-style: chr15-57273236-T-G. GRCh37 (hg19) VCF-style: chr15-57565434-T-G.
Other names: c.1442T>G, p.Ile481Ser (NM_001306219.3); c.1172T>G, p.Ile391Ser (NM_001306220.3); c.1952T>G, p.Ile651Ser (NM_001322151.2, NM_001322159.3, NM_001322162.2 and 1 more transcripts); c.1949T>G, p.Ile650Ser (NM_001322152.2, NM_001322161.2); c.1295T>G, p.Ile432Ser (NM_001322154.2); c.1778T>G, p.Ile593Ser (NM_001322156.2); c.1880T>G, p.Ile627Ser (NM_001322157.3, NM_001322165.2, NM_003205.4 and 1 more transcripts); c.1706T>G, p.Ile569Ser (NM_001322158.2); and 2 more; short protein forms I391S, I432S, I457S, I481S, I569S, I593S, I627S, I639S.
Identifiers: ClinVar variation 3255076 (VCV003255076.2), dbSNP rs2551501432.
Genomic context (GRCh38, chr15:57,273,236, plus strand): 5'-ACTTGAAGAGTGAAAAACCCCAAACAAAACTCCTTATTCTTCATCAAGCCGTGGCAGTCA[T>G]CCTTAGTCTAGAACAGCAAGTCAGAGGTAAGTAGGTTCAGCCGAGATGTATAACTGTTCT-3'
Protein context (NP_996920.1, residues 641-661): LLILHQAVAV[Ile651Ser]LSLEQQVRER

ClinVar aggregate classification (germline): Uncertain significance (1 of 4 stars; one submission).

Conditions:
TCF12-related craniosynostosis. Also called: Craniosynostosis 3. Identifiers: Orphanet 35098, Orphanet 35099, Orphanet 672979, MedGen C3715051, MONDO:0014128, OMIM 615314.

Submission:

Victorian Clinical Genetics Services, Murdoch Childrens Research Institute
Classification: Uncertain significance for TCF12-related craniosynostosis. Last evaluated: 2024-09-20. Review status: criteria provided, single submitter. Criteria: ACMG Guidelines, 2015. Collection method: clinical testing. Allele origin: germline. Inheritance: Autosomal dominant inheritance. Affected: yes.
Comment: Based on the classification scheme VCGS_Germline_v1.3.4, this variant is classified as VUS-3A. Following criteria are met: 0102 - Loss of function is a known mechanism of disease in this gene and is associated with craniosynostosis 3 (MIM#615314) and hypogonadotropic hypogonadism 26 with or without anosmia (MIM#619718). (I) 0107 - This gene is associated with autosomal dominant disease. However, a rare report of autosomal recessive inheritance has also been reported (PMID: 32629054). (I) 0112 - The condition associated with this gene has incomplete penetrance (PMID: 32629054). (I) 0200 - Variant is predicted to result in a missense amino acid change from isoleucine to serine. (I) 0251 - This variant is heterozygous. (I) 0301 - Variant is absent from gnomAD (both v2 and v3). (SP) 0501 - Missense variant consistently predicted to be damaging by multiple in silico tools or highly conserved with a major amino acid change. (SP) 0600 - Variant is located in the annotated helix-loop-helix DNA-binding domain (DECIPHER). (I) 0705 - No comparable missense variants have previous evidence for pathogenicity. (I) 0807 - This variant has no previous evidence of pathogenicity. (I) 0905 - No published segregation evidence has been identified for this variant. (I) 1007 - No published functional evidence has been identified for this variant. (SP) Legend: (SP) - Supporting pathogenic, (I) - Information, (SB) - Supporting benign

Literature cited by the submitters: PubMed 32629054.